The following is an entry in ClinVar:

ClinVar aggregate classification (germline): Uncertain significance (1 of 4 stars; one submission).

Conditions:
Proline dehydrogenase deficiency (HYRPRO1). Also called: PROLINE OXIDASE DEFICIENCY; Hyperprolinemia type 1. Identifiers: Orphanet 419, MedGen C0268529, MONDO:0009400, OMIM 239500.

Submission:

Labcorp Genetics (formerly Invitae), Labcorp
Classification: Uncertain significance for Proline dehydrogenase deficiency. Last evaluated: 2023-03-23. Review status: criteria provided, single submitter. Criteria: Invitae Variant Classification Sherloc (09022015). Collection method: clinical testing. Allele origin: germline.
Comment: This sequence change replaces phenylalanine, which is neutral and non-polar, with serine, which is neutral and polar, at codon 437 of the PRODH protein (p.Phe437Ser). This variant is not present in population databases (gnomAD no frequency). This variant has not been reported in the literature in individuals affected with PRODH-related conditions. ClinVar contains an entry for this variant (Variation ID: 2194315). Advanced modeling of protein sequence and biophysical properties (such as structural, functional, and spatial information, amino acid conservation, physicochemical variation, residue mobility, and thermodynamic stability) performed at Invitae indicates that this missense variant is expected to disrupt PRODH protein function. In summary, the available evidence is currently insufficient to determine the role of this variant in disease. Therefore, it has been classified as a Variant of Uncertain Significance.

NM_016335.6(PRODH):c.1310T>C (p.Phe437Ser)

Gene: PRODH (proline dehydrogenase 1; minus strand). Cytogenetic location: 22q11.21.
Variant type: single nucleotide variant.
Coding change: c.1310T>C on transcript NM_016335.6 (MANE Select); coding-DNA position 1310, T replaced by C.
Protein change: p.Phe437Ser; replaces phenylalanine 437 with serine.
Molecular consequence: missense variant.
Genome position (GRCh38, 1-based): chr22:18,918,433, A>G on the plus strand (T>C on the coding strand, the complement: PRODH is on the minus strand). VCF-style: chr22-18918433-A-G. GRCh37 (hg19) VCF-style: chr22-18905946-A-G.
Other names: c.986T>C, p.Phe329Ser (NM_001195226.2, NM_001368250.2); short protein forms F329S, F437S.
Identifiers: ClinVar variation 2194315 (VCV002194315.4), dbSNP rs2081943583, ClinGen allele CA410642402.